The following is an entry in ClinVar:

NM_000098.3(CPT2):c.1123_1138del (p.Gly375fs)

Gene: CPT2 (carnitine palmitoyltransferase 2; plus strand). Cytogenetic location: 1p32.3.
Variant type: Deletion.
Coding change: c.1123_1138del on transcript NM_000098.3 (MANE Select); coding-DNA positions 1123 to 1138, 16 bases deleted (GGTGATGGTGTGGCAG).
Protein change: p.Gly375fs; shifts the reading frame from glycine 375.
Molecular consequence: frameshift variant.
Genome position (GRCh38, 1-based): chr1:53,210,797-53,210,812, GGTGATGGTGTGGCAG deleted; deleting any 16 consecutive bases within chr1:53,210,796-53,210,812 gives the same sequence; the c. name uses the placement nearest the transcript's 3' end. VCF-style (leftmost placement, unchanged base first): chr1-53210795-GGGGTGATGGTGTGGCA-G. GRCh37 (hg19) VCF-style: chr1-53676467-GGGGTGATGGTGTGGCA-G.
Other names: c.1123_1138del, p.Gly375fs (NM_001330589.2); short protein forms G375fs.
Identifiers: ClinVar variation 5004627 (VCV005004627.1).
Genomic context (GRCh38, chr1:53,210,795, plus strand): 5'-AATCCTTTAACCTCATTATCGCCAAGGATGGCTCTACTGCCGTCCACTTTGAGCACTCTT[GGGGTGATGGTGTGGCA>G]GTGCTCAGATTTTTTAATGAAGTATTTAAAGACAGCACTCAGACCCCTGCCGTCACTCCA-3'

ClinVar aggregate classification (germline): Pathogenic (1 of 4 stars; one submission).

Conditions:
Carnitine palmitoyltransferase II deficiency. Also called: Carnitine Palmitoyltransferase 2 Deficiency. Identifiers: Orphanet 157, MedGen C0342790, MONDO:0015515.

Submission:

Myriad Genetics, Inc.
Classification: Pathogenic for Carnitine palmitoyltransferase II deficiency. Last evaluated: 2026-04-24. Review status: criteria provided, single submitter. Criteria: Myriad Autosomal Dominant, Autosomal Recessive and X-Linked Classification Criteria (2023). Collection method: clinical testing. Allele origin: unknown.
Comment: NM_000098.2(CPT2):c.1123_1138del16(G375Cfs*40) is a frameshift variant classified as pathogenic in the context of carnitine palmitoyltransferase II deficiency. G375Cfs*40 has not been observed in cases with relevant disease. Relevant functional assessments of this variant are not available in the literature. G375Cfs*40 has not been observed in referenced population frequency databases. In summary, NM_000098.2(CPT2):c.1123_1138del16(G375Cfs*40) is a frameshift variant in a gene where loss of function is a known mechanism of disease and is predicted to disrupt protein function. Please note: this variant was assessed in the context of healthy population screening.